The following is an entry in ClinVar:

NM_014946.4(SPAST):c.1273G>C (p.Ala425Pro)

Gene: SPAST (spastin; plus strand). Cytogenetic location: 2p22.3.
Variant type: single nucleotide variant.
Coding change: c.1273G>C on transcript NM_014946.4 (MANE Select); coding-DNA position 1273, G replaced by C.
Protein change: p.Ala425Pro; replaces alanine 425 with proline.
Molecular consequence: missense variant.
Genome position (GRCh38, 1-based): chr2:32,136,590, G>C. VCF-style: chr2-32136590-G-C. GRCh37 (hg19) VCF-style: chr2-32361659-G-C.
Other names: c.1270G>C, p.Ala424Pro (NM_001363823.2); c.1174G>C, p.Ala392Pro (NM_001363875.2); c.1177G>C, p.Ala393Pro (NM_001377959.1, NM_199436.2); short protein forms A393P, A425P, A392P, A424P.
Identifiers: ClinVar variation 2883989 (VCV002883989.3), dbSNP rs2465883035, ClinGen allele CA346502042.

ClinVar aggregate classification (germline): Pathogenic (1 of 4 stars; one submission).

Conditions:
Hereditary spastic paraplegia 4. Also called: Spastic Paraplegia 4; Spastic paraplegia 4, autosomal dominant; Familial spastic paraplegia autosomal dominant 2. Identifiers: Orphanet 100985, MedGen C1866855, MONDO:0008438, OMIM 182601.

Submission:

Labcorp Genetics (formerly Invitae), Labcorp
Classification: Pathogenic for Hereditary spastic paraplegia 4. Last evaluated: 2023-03-08. Review status: criteria provided, single submitter. Criteria: Invitae Variant Classification Sherloc (09022015). Collection method: clinical testing. Allele origin: germline.
Comment: This sequence change replaces alanine, which is neutral and non-polar, with proline, which is neutral and non-polar, at codon 425 of the SPAST protein (p.Ala425Pro). For these reasons, this variant has been classified as Pathogenic. Advanced modeling of protein sequence and biophysical properties (such as structural, functional, and spatial information, amino acid conservation, physicochemical variation, residue mobility, and thermodynamic stability) performed at Invitae indicates that this missense variant is expected to disrupt SPAST protein function. This missense change has been observed in individual(s) with hereditary spastic paraplegia (PMID: 29246610). In at least one individual the variant was observed to be de novo. It has also been observed to segregate with disease in related individuals. This variant is not present in population databases (gnomAD no frequency).

Literature cited by the submitters: PubMed 29246610.